The following is an entry in ClinVar:

NM_001942.4(DSG1):c.1454G>C (p.Ser485Thr)

Gene: DSG1 (desmoglein 1; plus strand). Cytogenetic location: 18q12.1.
Variant type: single nucleotide variant.
Coding change: c.1454G>C on transcript NM_001942.4 (MANE Select); coding-DNA position 1454, G replaced by C.
Protein change: p.Ser485Thr; replaces serine 485 with threonine.
Molecular consequence: missense variant.
Genome position (GRCh38, 1-based): chr18:31,339,792, G>C. VCF-style: chr18-31339792-G-C. GRCh37 (hg19) VCF-style: chr18-28919755-G-C.
Other names: c.1454G>C (NM_001942.2); short protein forms S485T.
Identifiers: ClinVar variation 1432747 (VCV001432747.8), dbSNP rs774612504, ClinGen allele CA8926092.

ClinVar aggregate classification (germline): Uncertain significance. Review status: criteria provided, multiple submitters, no conflicts (2 of 4 stars). 2 submissions from 2 submitters: Uncertain significance (2). Last evaluated 2025-12-24.

Conditions:
Inborn genetic diseases. Identifiers: MedGen C0950123, MeSH D030342.

Allele frequency attached by ClinVar (database versions not stated): gnomAD exomes 0.00002 and 0.00004; gnomAD 0.00003 and 0.00004; ExAC 0.00004.
gnomAD v4.1: 35 of 1,613,026 alleles (0.0022%); highest among the groups gnomAD compares: Admixed American, 0.022%; no homozygotes.

Submissions (2):

Ambry Genetics
Classification: Uncertain significance for Inborn genetic diseases. Last evaluated: 2025-12-24. Review status: criteria provided, single submitter. Criteria: Ambry Variant Classification Scheme 2023. Collection method: clinical testing. Allele origin: germline.

Labcorp Genetics (formerly Invitae), Labcorp
Classification: Uncertain significance. Last evaluated: 2025-10-19. Review status: criteria provided, single submitter. Criteria: Invitae Variant Classification Sherloc (09022015). Collection method: clinical testing. Allele origin: germline.
Comment: This sequence change replaces serine, which is neutral and polar, with threonine, which is neutral and polar, at codon 485 of the DSG1 protein (p.Ser485Thr). This variant is present in population databases (rs774612504, gnomAD 0.01%). This variant has not been reported in the literature in individuals affected with DSG1-related conditions. ClinVar contains an entry for this variant (Variation ID: 1432747). Invitae Evidence Modeling of protein sequence and biophysical properties (such as structural, functional, and spatial information, amino acid conservation, physicochemical variation, residue mobility, and thermodynamic stability) indicates that this missense variant is not expected to disrupt DSG1 protein function with a negative predictive value of 80%. In summary, the available evidence is currently insufficient to determine the role of this variant in disease. Therefore, it has been classified as a Variant of Uncertain Significance.